The following is an entry in ClinVar:

ClinVar aggregate classification (germline): Uncertain significance. Review status: criteria provided, multiple submitters, no conflicts (2 of 4 stars). 2 submissions from 2 submitters: Uncertain significance (2). Last evaluated 2024-05-16.

Conditions:
MHC class I deficiency. Identifiers: Orphanet 34592, MedGen C6024714, MONDO:0011476.
Inborn genetic diseases. Identifiers: MedGen C0950123, MeSH D030342.

Allele frequency attached by ClinVar (database versions not stated): TOPMed 0.00002; ExAC 0.00003; gnomAD exomes 0.00001; gnomAD 0.00002.
gnomAD v4.1: 13 of 1,612,466 alleles (0.00081%); highest among the groups gnomAD compares: African/African-American, 0.0053%; no homozygotes.

Submissions (2):

Ambry Genetics
Classification: Uncertain significance for Inborn genetic diseases. Last evaluated: 2024-05-16. Review status: criteria provided, single submitter. Criteria: Ambry Variant Classification Scheme 2023. Collection method: clinical testing. Allele origin: germline.

Labcorp Genetics (formerly Invitae), Labcorp
Classification: Uncertain significance for MHC class I deficiency 1. Last evaluated: 2022-10-19. Review status: criteria provided, single submitter. Criteria: Invitae Variant Classification Sherloc (09022015). Collection method: clinical testing. Allele origin: germline.
Comment: In summary, the available evidence is currently insufficient to determine the role of this variant in disease. Therefore, it has been classified as a Variant of Uncertain Significance. Algorithms developed to predict the effect of missense changes on protein structure and function are either unavailable or do not agree on the potential impact of this missense change (SIFT: "Deleterious"; PolyPhen-2: "Benign"; Align-GVGD: "Class C0"). ClinVar contains an entry for this variant (Variation ID: 1449798). This variant has not been reported in the literature in individuals affected with TAP1-related conditions. This variant is present in population databases (rs747716612, gnomAD 0.01%). This sequence change replaces arginine, which is basic and polar, with tryptophan, which is neutral and slightly polar, at codon 751 of the TAP1 protein (p.Arg751Trp).

NM_000593.6(TAP1):c.2071C>T (p.Arg691Trp)

Genes: PSMB8-AS1 (PSMB8 antisense RNA 1; plus strand), TAP1 (transporter 1, ATP binding cassette subfamily B member; minus strand). Cytogenetic location: 6p21.32.
Variant type: single nucleotide variant.
Coding change: c.2071C>T on transcript NM_000593.6 (MANE Select); coding-DNA position 2071, C replaced by T.
Protein change: p.Arg691Trp; replaces arginine 691 with tryptophan.
Molecular consequence: missense variant. On other transcripts: non-coding transcript variant (4).
Genome position (GRCh38, 1-based): chr6:32,845,755, G>A on the plus strand (C>T on the coding strand, the complement: TAP1 is on the minus strand). VCF-style: chr6-32845755-G-A. GRCh37 (hg19) VCF-style: chr6-32813532-G-A.
Other names: c.2251C>T (NM_000593.5); c.1468C>T, p.Arg490Trp (NM_001292022.2); short protein forms R691W, R490W.
Identifiers: ClinVar variation 1449798 (VCV001449798.10), dbSNP rs747716612, ClinGen allele CA3746585.
Genomic context (GRCh38, chr6:32,845,755, plus strand): 5'-GGTCAGCCTGCTCCACCAGGCTGAGGTGCTGGGTGATGAGAAGCACTGAGCGGGAGTACC[G>A]CTCAGGGCTTTCGTACAGGAGCTGCTCCACCTGAGGAAAGACATCGGACCGTCAGAGCCG-3'
Protein context (NP_000584.3, residues 681-701): VEQLLYESPE[Arg691Trp]YSRSVLLITQ